The following is an entry in ClinVar:

ClinVar aggregate classification (germline): Uncertain significance (1 of 4 stars; one submission).

Conditions:
LZTS1-related disorder. Also called: LZTS1-related condition.

gnomAD v4.1: 8 of 1,614,098 alleles (0.0005%); highest among the groups gnomAD compares: Non-Finnish European, 0.00068%; no homozygotes.

Submission:

PreventionGenetics, part of Exact Sciences
Classification: Uncertain significance for LZTS1-related condition. Last evaluated: 2025-11-14. Review status: criteria provided, single submitter. Criteria: ACMG Guidelines, 2015. Collection method: clinical testing. Allele origin: germline.
Comment: The LZTS1 c.633C>A variant is predicted to result in the amino acid substitution p.His211Gln. This variant was reported in two sisters with hypermobility type Ehlers-Danlos syndrome/benign joint hypermobility syndrome (Syx et al. 2015. PubMed ID: 26504261). This variant is reported in 0.0027% of alleles in individuals of European (Non-Finnish) descent in gnomAD. At this time, the clinical significance of this variant is uncertain due to the absence of conclusive functional and genetic evidence.

NM_021020.5(LZTS1):c.633C>A (p.His211Gln)

Gene: LZTS1 (leucine zipper tumor suppressor 1; minus strand). Cytogenetic location: 8p21.3.
Variant type: single nucleotide variant.
Coding change: c.633C>A on transcript NM_021020.5 (MANE Select); coding-DNA position 633, C replaced by A.
Protein change: p.His211Gln; replaces histidine 211 with glutamine.
Molecular consequence: missense variant.
Genome position (GRCh38, 1-based): chr8:20,253,298, G>T on the plus strand (C>A on the coding strand, the complement: LZTS1 is on the minus strand). VCF-style: chr8-20253298-G-T. GRCh37 (hg19) VCF-style: chr8-20110809-G-T.
Other names: c.633C>A, p.His211Gln (NM_001362884.2); short protein forms H211Q.
Identifiers: ClinVar variation 4977024 (VCV004977024.1).
Genomic context (GRCh38, chr8:20,253,298, plus strand): 5'-GGACAGAGCCTTCAGGCTCATCATGTTGCTGTCCTGGAGGACGATGCCCTGGGTGATGTT[G>T]TGGGCGGAGCCCCCAAAACGGCTTGTGGGTCCCACGGGTGTGACCAGCGGGTCCAGCTGG-3'
Protein context (NP_066300.1, residues 201-221): GPTSRFGGSA[His211Gln]NITQGIVLQD